The following is an entry in ClinVar:

NM_004655.4(AXIN2):c.973dup (p.Tyr325fs)

Gene: AXIN2 (axin 2; minus strand). Cytogenetic location: 17q24.1.
Variant type: Duplication.
Coding change: c.973dup on transcript NM_004655.4 (MANE Select); coding-DNA position 973, one base duplicated (T; older notation c.973dupT).
Protein change: p.Tyr325fs; shifts the reading frame from tyrosine 325.
Molecular consequence: frameshift variant.
Genome position (GRCh38, 1-based): chr17:65,541,541, A duplicated on the plus strand (T on the coding strand, the reverse complement: AXIN2 is on the minus strand); the first of 2 consecutive A bases (chr17:65,541,541-65,541,542); duplicating either gives the same sequence. VCF-style (leftmost placement, unchanged base first): chr17-65541540-T-TA. GRCh37 (hg19) VCF-style: chr17-63537658-T-TA.
Other names: c.973dup, p.Tyr325fs (NM_001363813.1); short protein forms Y325fs.
Identifiers: ClinVar variation 1369686 (VCV001369686.7), dbSNP rs2144500829, ClinGen allele CA2573154717.

ClinVar aggregate classification (germline): Pathogenic/Likely pathogenic. Review status: criteria provided, multiple submitters, no conflicts (2 of 4 stars). 2 submissions from 2 submitters: Pathogenic (1); Likely pathogenic (1). Last evaluated 2021-11-25.

Conditions:
Colorectal cancer. Also called: Malignant Colorectal Neoplasm; Colorectal cancer, somatic. Identifiers: MedGen C0346629, MONDO:0005575, OMIM 114500.
Oligodontia-cancer predisposition syndrome. Also called: TOOTH AGENESIS-COLORECTAL CANCER SYNDROME. Identifiers: Orphanet 300576, MedGen C1837750, MONDO:0012075, OMIM 608615. Disease mechanism: loss of function.

Submissions (2):

Labcorp Genetics (formerly Invitae), Labcorp
Classification: Pathogenic for Oligodontia-cancer predisposition syndrome. Last evaluated: 2021-11-25. Review status: criteria provided, single submitter. Criteria: Invitae Variant Classification Sherloc (09022015). Collection method: clinical testing. Allele origin: germline.
Comment: For these reasons, this variant has been classified as Pathogenic. This variant has not been reported in the literature in individuals affected with AXIN2-related conditions. This variant is not present in population databases (gnomAD no frequency). This sequence change creates a premature translational stop signal (p.Tyr325Leufs*6) in the AXIN2 gene. It is expected to result in an absent or disrupted protein product. Loss-of-function variants in AXIN2 are known to be pathogenic (PMID: 15042511, 21416598).

Baylor Genetics
Classification: Likely pathogenic for Colorectal cancer. Last evaluated: 2021-11-02. Review status: criteria provided, single submitter. Criteria: ACMG Guidelines, 2015. Collection method: clinical testing. Allele origin: unknown.

Literature cited by the submitters: PubMed 15042511 (cited by Labcorp Genetics (formerly Invitae), Labcorp); PubMed 21416598 (cited by Labcorp Genetics (formerly Invitae), Labcorp).